The following is an entry in ClinVar:

ClinVar aggregate classification (germline): Pathogenic (1 of 4 stars; one submission).

Conditions:
Familial cancer of breast. Also called: Hereditary breast cancer; BREAST CANCER, FAMILIAL; hereditary breast carcinoma. Identifiers: Orphanet 227535, MedGen C0346153, MONDO:0016419, OMIM 114480. Disease mechanism: loss of function.

Submission:

Labcorp Genetics (formerly Invitae), Labcorp
Classification: Pathogenic for Familial cancer of breast. Last evaluated: 2016-05-26. Review status: criteria provided, single submitter. Criteria: Invitae Variant Classification Sherloc (09022015). Collection method: clinical testing. Allele origin: germline.
Comment: This variant is a gross deletion of the genomic region encompassing exons 1-10 of the PALB2 gene, which includes the initiator codon. The 3' boundary is likely confined to the intronic region between exons 10 and 11. The 5' end of this event is unknown as it extends beyond the assayed region for this gene and therefore may encompass additional genes. Truncating variants in PALB2 are known to be pathogenic. A similar deletion encompassing exons 1-10, in trans with a second PALB2 truncating variant, was reported in a patient affected with autosomal recessive Fanconi anemia (PMID: 17200672). For these reasons, this variant has been classified as Pathogenic.

NC_000016.10:g.(?_23621362)_(23641357_?)del

Gene: PALB2 (partner and localizer of BRCA2; minus strand). Cytogenetic location: 16p12.2.
Variant type: Deletion.
Identifiers: ClinVar variation 417805 (VCV000417805.2).